The following is an entry in ClinVar:

ClinVar aggregate classification (germline): Pathogenic. Review status: criteria provided, single submitter (1 of 4 stars). 2 submissions from 2 submitters: Pathogenic (1). 1 of the submissions does not count toward it. Last evaluated 2019-08-28.

Conditions:
Intellectual developmental disorder, X-linked, syndromic 34. Also called: Syndromic X-linked intellectual disability 34; MENTAL RETARDATION, X-LINKED, SYNDROMIC, MIRCSOF-LANGOUET TYPE. Identifiers: Orphanet 466791, MedGen C4225417, MONDO:0010501, OMIM 300967.

Submissions (2):

New York Genome Center
Classification: Pathogenic for Intellectual developmental disorder, X-linked, syndromic 34. Last evaluated: 2019-08-28. Review status: criteria provided, single submitter. Criteria: NYGC Assertion Criteria 2020. Collection method: clinical testing. Allele origin: de novo. Inheritance: X-linked inheritance. Affected: yes. Observed: 1 hemizygote. Study: CSER-NYCKidSeq.
Comment: The de novo c.1394dup (p.Asn466LysfsTer13) variant identified in the NONO gene leads to a frameshift of the protein at amino acid 466/472 (coding exon 11/11). This variant is absent from gnomAD and ExAC, suggesting it is not a common benign variant in the populations represented in these databases. It is reported in ClinVar as Pathogenic (VarID:222082) based on literature evidence. Given the presence of this variant in 2 affected individuals in the literature, its absence in population databases, its presence de novo in this individual, and near absence of NONO protein in fibroblasts of a patient reported in the literature, the c.1394dup (p.Asn466LysfsTer13) variant identified in this individual is reported here as Pathogenic.

OMIM
Classification: Pathogenic for INTELLECTUAL DEVELOPMENTAL DISORDER, X-LINKED, SYNDROMIC 34. Last evaluated: 2021-08-20. Review status: no assertion criteria provided. Collection method: literature only. Allele origin: germline. Not counted in ClinVar's aggregate classification.

Literature cited by the submitters: PubMed 26571461 (cited by OMIM); PubMed 27550220 (cited by OMIM).

NM_007363.5(NONO):c.1394dup (p.Asn466fs)

Gene: NONO (non-POU domain containing octamer binding; plus strand). Cytogenetic location: Xq13.1.
Variant type: Duplication.
Coding change: c.1394dup on transcript NM_007363.5 (MANE Select); coding-DNA position 1394, one base duplicated (C; older notation c.1394dupC).
Protein change: p.Asn466fs; shifts the reading frame from asparagine 466.
Molecular consequence: frameshift variant.
Genome position (GRCh38, 1-based): chrX:71,300,054, C duplicated; the last of 4 consecutive C bases (chrX:71,300,051-71,300,054); duplicating any one gives the same sequence. VCF-style (leftmost placement, unchanged base first): chrX-71300050-G-GC. GRCh37 (hg19) VCF-style: chrX-70519900-G-GC.
Other names: c.1394dup, p.Asn466fs (NM_001145408.2, NM_001145409.2); c.1127dup, p.Asn377fs (NM_001145410.2); short protein forms N377fs, N466fs.
Identifiers: ClinVar variation 222082 (VCV000222082.4), dbSNP rs869025344, ClinGen allele CA351658.